The following is an entry in ClinVar:

NM_004727.3(SLC24A1):c.239C>T (p.Ser80Leu)

Gene: SLC24A1 (solute carrier family 24 member 1; plus strand). Cytogenetic location: 15q22.31.
Variant type: single nucleotide variant.
Coding change: c.239C>T on transcript NM_004727.3 (MANE Select); coding-DNA position 239, C replaced by T.
Protein change: p.Ser80Leu; replaces serine 80 with leucine.
Molecular consequence: missense variant.
Genome position (GRCh38, 1-based): chr15:65,624,319, C>T. VCF-style: chr15-65624319-C-T. GRCh37 (hg19) VCF-style: chr15-65916657-C-T.
Other names: c.239C>T, p.Ser80Leu (NM_001301031.1, NM_001301032.1, NM_001301033.2); short protein forms S80L.
Identifiers: ClinVar variation 1348507 (VCV001348507.8), dbSNP rs2141457565, ClinGen allele CA392912858.

ClinVar aggregate classification (germline): Uncertain significance (1 of 4 stars; one submission).

Allele frequency attached by ClinVar (database versions not stated): gnomAD exomes below 0.00001.
gnomAD v4.1: 1 of 1,613,748 alleles (0.000062%); highest among the groups gnomAD compares: South Asian, 0.0011%; no homozygotes.

Submission:

Labcorp Genetics (formerly Invitae), Labcorp
Classification: Uncertain significance. Last evaluated: 2021-04-24. Review status: criteria provided, single submitter. Criteria: Invitae Variant Classification Sherloc (09022015). Collection method: clinical testing. Allele origin: germline.
Comment: In summary, the available evidence is currently insufficient to determine the role of this variant in disease. Therefore, it has been classified as a Variant of Uncertain Significance. Algorithms developed to predict the effect of missense changes on protein structure and function output the following: SIFT: "Deleterious"; PolyPhen-2: "Benign"; Align-GVGD: "Class C0". The leucine amino acid residue is found in multiple mammalian species, suggesting that this missense change does not adversely affect protein function. These predictions have not been confirmed by published functional studies and their clinical significance is uncertain. This variant has not been reported in the literature in individuals with SLC24A1-related conditions. This variant is not present in population databases (ExAC no frequency). This sequence change replaces serine with leucine at codon 80 of the SLC24A1 protein (p.Ser80Leu). The serine residue is weakly conserved and there is a large physicochemical difference between serine and leucine.